The following is an entry in ClinVar:

NM_139343.3(BIN1):c.313_314delinsTT (p.Glu105Leu)

Gene: BIN1 (bridging integrator 1; minus strand). Cytogenetic location: 2q14.3.
Variant type: Indel.
Coding change: c.313_314delinsTT on transcript NM_139343.3 (MANE Select); coding-DNA positions 313 to 314, GA replaced by TT.
Protein change: p.Glu105Leu; replaces glutamic acid 105 with leucine.
Molecular consequence: missense variant.
Genome position (GRCh38, 1-based): chr2:127,070,554-127,070,555, TC replaced by AA on the plus strand (GA replaced by TT on the coding strand, the reverse complement: BIN1 is on the minus strand). VCF-style: chr2-127070554-TC-AA. GRCh37 (hg19) VCF-style: chr2-127828130-TC-AA.
Other names: c.313_314delinsTT, p.Glu105Leu (NM_139347.3, NM_139348.3, NM_139349.3 and 10 more transcripts); c.241_242delinsTT, p.Glu81Leu (NM_001320634.1); c.232_233delinsTT, p.Glu78Leu (NM_001320642.1); short protein forms E78L, E105L, E81L.
Identifiers: ClinVar variation 1971879 (VCV001971879.5), dbSNP rs2467422075, ClinGen allele CA2580063786.

ClinVar aggregate classification (germline): Uncertain significance (1 of 4 stars; one submission).

Conditions:
Myopathy, centronuclear, 2 (CNM2). Also called: MYOTUBULAR MYOPATHY, AUTOSOMAL RECESSIVE. Identifiers: Orphanet 169186, MedGen CN031787, MONDO:0009709, OMIM 255200.

Submission:

Labcorp Genetics (formerly Invitae), Labcorp
Classification: Uncertain significance for Myopathy, centronuclear, 2. Last evaluated: 2025-10-09. Review status: criteria provided, single submitter. Criteria: Invitae Variant Classification Sherloc (09022015). Collection method: clinical testing. Allele origin: germline.
Comment: This sequence change replaces glutamic acid, which is acidic and polar, with leucine, which is neutral and non-polar, at codon 105 of the BIN1 protein (p.Glu105Leu). Information on the frequency of this variant in the gnomAD database is not available, as this variant may be reported differently in the database. This variant has not been reported in the literature in individuals affected with BIN1-related conditions. ClinVar contains an entry for this variant (Variation ID: 1971879). An algorithm developed to predict the effect of missense changes on protein structure and function (PolyPhen-2) suggests that this variant is likely to be disruptive. In summary, the available evidence is currently insufficient to determine the role of this variant in disease. Therefore, it has been classified as a Variant of Uncertain Significance.